The following is an entry in ClinVar:

NM_032243.6(TXNDC2):c.905C>A (p.Pro302His)

Gene: TXNDC2 (thioredoxin domain containing 2; plus strand). Cytogenetic location: 18p11.22.
Variant type: single nucleotide variant.
Coding change: c.905C>A on transcript NM_032243.6 (MANE Select); coding-DNA position 905, C replaced by A.
Protein change: p.Pro302His; replaces proline 302 with histidine.
Molecular consequence: missense variant.
Genome position (GRCh38, 1-based): chr18:9,887,585, C>A. VCF-style: chr18-9887585-C-A. GRCh37 (hg19) VCF-style: chr18-9887582-C-A.
Other names: c.1106C>A, p.Pro369His (NM_001098529.2); c.905C>A, p.Pro302His (NM_001098530.1); short protein forms P302H, P369H.
Identifiers: ClinVar variation 2648575 (VCV002648575.24), dbSNP rs141130127, ClinGen allele CA8890450.

ClinVar aggregate classification (germline): Likely benign (1 of 4 stars; one submission).

Allele frequency attached by ClinVar (database versions not stated): 1000 Genomes Project 0.00319; 1000 Genomes Project 30x 0.00344; ESP Exome Variant Server 0.00392; gnomAD 0.00418; ExAC 0.00437; TOPMed 0.00471.

Submission:

CeGaT Center for Human Genetics Tuebingen
Classification: Likely benign. Last evaluated: 2023-07-01. Review status: criteria provided, single submitter. Criteria: CeGaT Center For Human Genetics Tuebingen Variant Classification Criteria Version 2. Collection method: clinical testing. Allele origin: germline. Affected: yes. Observed: 2 variant alleles.
Comment: TXNDC2: BP4, BS2